The following is an entry in ClinVar:

NM_004100.5(EYA4):c.138T>A (p.Asp46Glu)

Gene: EYA4 (EYA transcriptional coactivator and phosphatase 4; plus strand). Cytogenetic location: 6q23.2.
Variant type: single nucleotide variant.
Coding change: c.138T>A on transcript NM_004100.5 (MANE Select); coding-DNA position 138, T replaced by A.
Protein change: p.Asp46Glu; replaces aspartic acid 46 with glutamic acid.
Molecular consequence: missense variant.
Genome position (GRCh38, 1-based): chr6:133,446,684, T>A. VCF-style: chr6-133446684-T-A. GRCh37 (hg19) VCF-style: chr6-133767822-T-A.
Other names: c.138T>A, p.Asp46Glu (NM_001301012.2, NM_001301013.2, NM_001370458.1 and 3 more transcripts); short protein forms D46E.
Identifiers: ClinVar variation 3692207 (VCV003692207.2).
Genomic context (GRCh38, chr6:133,446,684, plus strand): 5'-TACCAGGTCTATGGAAATGCAGGACCTAGCAAGTCCTCATACTCTTGTTGGAGGTGGTGA[T>A]ACTCCAGGTAGCTCCAAACTGGAAAAATCTAATCTCAGCAGCACATCAGTTACTACAAAT-3'
Protein context (NP_004091.3, residues 36-56): ASPHTLVGGG[Asp46Glu]TPGSSKLEKS

ClinVar aggregate classification (germline): Uncertain significance (1 of 4 stars; one submission).

Conditions:
Dilated cardiomyopathy 1J (CMD1J). Also called: CARDIOMYOPATHY, DILATED, WITH SENSORINEURAL HEARING LOSS, AUTOSOMAL DOMINANT. Identifiers: Orphanet 217622, MedGen C1854368, MONDO:0011541, OMIM 605362.

gnomAD v4.1: 1 of 1,613,788 alleles (0.000062%); highest among the groups gnomAD compares: East Asian, 0.0022%; no homozygotes.

Submission:

Labcorp Genetics (formerly Invitae), Labcorp
Classification: Uncertain significance for Dilated cardiomyopathy 1J. Last evaluated: 2024-07-08. Review status: criteria provided, single submitter. Criteria: Invitae Variant Classification Sherloc (09022015). Collection method: clinical testing. Allele origin: germline.
Comment: This sequence change replaces aspartic acid, which is acidic and polar, with glutamic acid, which is acidic and polar, at codon 46 of the EYA4 protein (p.Asp46Glu). This variant is not present in population databases (gnomAD no frequency). This variant has not been reported in the literature in individuals affected with EYA4-related conditions. Algorithms developed to predict the effect of missense changes on protein structure and function output the following: SIFT: "Not Available"; PolyPhen-2: "Benign"; Align-GVGD: "Not Available". The glutamic acid amino acid residue is found in multiple mammalian species, which suggests that this missense change does not adversely affect protein function. In summary, the available evidence is currently insufficient to determine the role of this variant in disease. Therefore, it has been classified as a Variant of Uncertain Significance.